The following is an entry in ClinVar:

ClinVar aggregate classification (germline): Benign/Likely benign. Review status: criteria provided, multiple submitters, no conflicts (2 of 4 stars). 3 submissions from 3 submitters: Benign (2); Likely benign (1). Last evaluated 2025-12-16.

Conditions:
Hereditary spastic paraplegia 49 (HSAN9). Also called: TECPR2-Related Hereditary Sensory and Autonomic Neuropathy with Intellectual Disability; NEUROPATHY, HEREDITARY SENSORY AND AUTONOMIC, TYPE IX, WITH DEVELOPMENTAL DELAY; Spastic paraplegia 49, autosomal recessive. Identifiers: Orphanet 320385, MedGen C5190860, MONDO:0014016, OMIM 615031.

Allele frequency attached by ClinVar (database versions not stated): gnomAD 0.00003; TOPMed 0.00011; ExAC 0.00026; gnomAD exomes 0.00038.
gnomAD v4.1: 104 of 1,613,970 alleles (0.0064%); highest among the groups gnomAD compares: Admixed American, 0.17%; 1 homozygote.

Submissions (3):

Labcorp Genetics (formerly Invitae), Labcorp
Classification: Benign for Hereditary spastic paraplegia 49. Last evaluated: 2025-12-16. Review status: criteria provided, single submitter. Criteria: Invitae Variant Classification Sherloc (09022015). Collection method: clinical testing. Allele origin: germline.

CeGaT Center for Human Genetics Tuebingen
Classification: Likely benign. Last evaluated: 2025-12-01. Review status: criteria provided, single submitter. Criteria: CeGaT Center For Human Genetics Tuebingen Variant Classification Criteria Version 2. Collection method: clinical testing. Allele origin: germline. Affected: yes. Observed: 1 variant allele.
Comment: TECPR2: BP4, BP7

Breakthrough Genomics
Classification: Benign. Review status: criteria provided, single submitter. Criteria: ACMG Guidelines, 2015. Collection method: not provided. Allele origin: germline. Inheritance: Autosomal recessive inheritance. Affected: yes.

NM_014844.5(TECPR2):c.2199C>T (p.Ala733=)

Gene: TECPR2 (tectonin beta-propeller repeat containing 2; plus strand). Cytogenetic location: 14q32.31.
Variant type: single nucleotide variant.
Coding change: c.2199C>T on transcript NM_014844.5 (MANE Select); coding-DNA position 2199, C replaced by T.
Protein change: p.Ala733=; no amino-acid change (alanine 733 retained).
Molecular consequence: synonymous variant.
Genome position (GRCh38, 1-based): chr14:102,435,016, C>T. VCF-style: chr14-102435016-C-T. GRCh37 (hg19) VCF-style: chr14-102901353-C-T.
Other names: c.2199C>T, p.Ala733= (NM_001172631.3).
Identifiers: ClinVar variation 415299 (VCV000415299.18), dbSNP rs761750187, ClinGen allele CA7357864.